The following is an entry in ClinVar:

ClinVar aggregate classification (germline): Uncertain significance (1 of 4 stars; one submission).

Conditions:
Fanconi anemia (FA). Also called: Fanconi's anemia. Identifiers: Orphanet 84, MedGen C0015625, MeSH D005199, MONDO:0019391.

Submission:

Labcorp Genetics (formerly Invitae), Labcorp
Classification: Uncertain significance for Fanconi anemia. Last evaluated: 2024-11-04. Review status: criteria provided, single submitter. Criteria: Invitae Variant Classification Sherloc (09022015). Collection method: clinical testing. Allele origin: germline.
Comment: This sequence change replaces aspartic acid, which is acidic and polar, with glutamic acid, which is acidic and polar, at codon 894 of the FANCD2 protein (p.Asp894Glu). This variant is not present in population databases (gnomAD no frequency). This variant has not been reported in the literature in individuals affected with FANCD2-related conditions. Invitae Evidence Modeling of protein sequence and biophysical properties (such as structural, functional, and spatial information, amino acid conservation, physicochemical variation, residue mobility, and thermodynamic stability) indicates that this missense variant is not expected to disrupt FANCD2 protein function with a negative predictive value of 80%. In summary, the available evidence is currently insufficient to determine the role of this variant in disease. Therefore, it has been classified as a Variant of Uncertain Significance.

NM_001018115.3(FANCD2):c.2682C>A (p.Asp894Glu)

Genes: FANCD2 (FA complementation group D2; plus strand), LOC107303338 (3p25 FANCD2 Alu-mediated recombination region; plus strand). Cytogenetic location: 3p25.3.
Variant type: single nucleotide variant.
Coding change: c.2682C>A on transcript NM_001018115.3 (MANE Select); coding-DNA position 2682, C replaced by A.
Protein change: p.Asp894Glu; replaces aspartic acid 894 with glutamic acid.
Molecular consequence: missense variant.
Genome position (GRCh38, 1-based): chr3:10,073,329, C>A. VCF-style: chr3-10073329-C-A. GRCh37 (hg19) VCF-style: chr3-10115013-C-A.
Other names: c.2682C>A, p.Asp894Glu (NM_001319984.2, NM_001374254.1, NM_033084.6); c.2571C>A, p.Asp857Glu (NM_001374253.1); short protein forms D857E, D894E.
Identifiers: ClinVar variation 3664075 (VCV003664075.2).
Genomic context (GRCh38, chr3:10,073,329, plus strand): 5'-AGATGGCAGCAAGACATCCTCCTCTGACACACTTTCAGAAGAGAAAAATTCAGAATGTGA[C>A]CCTACGCCATCTCATAGAGGCCAGCTAAACAAGGTATTGGAATGATGGGTATCCGTGAAG-3'
Protein context (NP_001018125.1, residues 884-904): TLSEEKNSEC[Asp894Glu]PTPSHRGQLN